The following is an entry in ClinVar:

ClinVar aggregate classification (germline): Uncertain significance (1 of 4 stars; one submission).

Submission:

GeneDx
Classification: Uncertain significance. Last evaluated: 2025-07-21. Review status: criteria provided, single submitter. Criteria: GeneDx Variant Classification Process June 2021. Collection method: clinical testing. Allele origin: germline. Affected: yes.
Comment: Not observed at significant frequency in large population cohorts (gnomAD); In silico analysis supports that this missense variant has a deleterious effect on protein structure/function; Has not been previously published as pathogenic or benign to our knowledge

NM_000069.3(CACNA1S):c.5454C>G (p.Cys1818Trp)

Gene: CACNA1S (calcium voltage-gated channel subunit alpha1 S; minus strand). Cytogenetic location: 1q32.1.
Variant type: single nucleotide variant.
Coding change: c.5454C>G on transcript NM_000069.3 (MANE Select); coding-DNA position 5454, C replaced by G.
Protein change: p.Cys1818Trp; replaces cysteine 1818 with tryptophan.
Molecular consequence: missense variant.
Genome position (GRCh38, 1-based): chr1:201,039,999, G>C on the plus strand (C>G on the coding strand, the complement: CACNA1S is on the minus strand). VCF-style: chr1-201039999-G-C. GRCh37 (hg19) VCF-style: chr1-201009127-G-C.
Other names: short protein forms C1818W.
Identifiers: ClinVar variation 4686890 (VCV004686890.1).